The following is an entry in ClinVar:

ClinVar aggregate classification (germline): Uncertain significance (1 of 4 stars; one submission).

Conditions:
Malignant hyperthermia, susceptibility to, 1 (MHS1). Also called: RYR1-Related Malignant Hyperthermia Susceptibility; Anesthesia related hyperthermia; Malignant hyperpyrexia; Fulminating hyperpyrexia; Pharmacogenic myopathy; Malignant hyperthermia suceptibility 1. Identifiers: Orphanet 423, MedGen C2930980, MONDO:0007783, OMIM 145600.

Submission:

All of Us Research Program, National Institutes of Health
Classification: Uncertain significance for Malignant hyperthermia, susceptibility to, 1. Last evaluated: 2023-04-03. Review status: criteria provided, single submitter. Criteria: ACMG Guidelines, 2015. Collection method: clinical testing. Allele origin: germline. Inheritance: Autosomal dominant inheritance. Observed: 1 variant allele, 1 heterozygote.
Comment: This missense variant replaces glycine with cysteine at codon 1756 of the RYR1 protein. Computational prediction suggests that this variant may not impact protein structure and function (internally defined REVEL score threshold <= 0.5, PMID: 27666373). To our knowledge, functional studies have not been reported for this variant. This variant has not been reported in individuals affected with RYR1-related disorders in the literature. This variant has not been identified in the general population by the Genome Aggregation Database (gnomAD). The available evidence is insufficient to determine the role of this variant in disease conclusively. Therefore, this variant is classified as a Variant of Uncertain Significance.

This study involves interpretation of variants in research participants for the purpose of population health screening. Participant phenotype was not available at the time of variant classification. Additional details can be found in publication PMID: 35346344, PMCID: PMC8962531

NM_000540.3(RYR1):c.5266G>T (p.Gly1756Cys)

Gene: RYR1 (ryanodine receptor 1; plus strand). Cytogenetic location: 19q13.2.
Variant type: single nucleotide variant.
Coding change: c.5266G>T on transcript NM_000540.3 (MANE Select); coding-DNA position 5266, G replaced by T.
Protein change: p.Gly1756Cys; replaces glycine 1756 with cysteine.
Molecular consequence: missense variant.
Genome position (GRCh38, 1-based): chr19:38,485,921, G>T. VCF-style: chr19-38485921-G-T. GRCh37 (hg19) VCF-style: chr19-38976561-G-T.
Other names: c.5266G>T, p.Gly1756Cys (NM_001042723.2); short protein forms G1756C.
Identifiers: ClinVar variation 3070170 (VCV003070170.1), dbSNP rs1447206888, ClinGen allele CA405654355.